The following is an entry in ClinVar:

ClinVar aggregate classification (germline): Uncertain significance (1 of 4 stars; one submission).

Allele frequency attached by ClinVar (database versions not stated): TOPMed 0.00001.
gnomAD v4.1: 3 of 1,614,066 alleles (0.00019%); highest among the groups gnomAD compares: African/African-American, 0.0027%; no homozygotes.

Submission:

Labcorp Genetics (formerly Invitae), Labcorp
Classification: Uncertain significance. Last evaluated: 2023-11-27. Review status: criteria provided, single submitter. Criteria: Invitae Variant Classification Sherloc (09022015). Collection method: clinical testing. Allele origin: germline.
Comment: This sequence change replaces valine, which is neutral and non-polar, with phenylalanine, which is neutral and non-polar, at codon 461 of the CDH3 protein (p.Val461Phe). This variant is present in population databases (no rsID available, gnomAD 0.02%). This variant has not been reported in the literature in individuals affected with CDH3-related conditions. ClinVar contains an entry for this variant (Variation ID: 967280). Advanced modeling of protein sequence and biophysical properties (such as structural, functional, and spatial information, amino acid conservation, physicochemical variation, residue mobility, and thermodynamic stability) performed at Invitae indicates that this missense variant is not expected to disrupt CDH3 protein function with a negative predictive value of 80%. In summary, the available evidence is currently insufficient to determine the role of this variant in disease. Therefore, it has been classified as a Variant of Uncertain Significance.

NM_001793.6(CDH3):c.1381G>T (p.Val461Phe)

Gene: CDH3 (cadherin 3; plus strand). Cytogenetic location: 16q22.1.
Variant type: single nucleotide variant.
Coding change: c.1381G>T on transcript NM_001793.6 (MANE Select); coding-DNA position 1381, G replaced by T.
Protein change: p.Val461Phe; replaces valine 461 with phenylalanine.
Molecular consequence: missense variant.
Genome position (GRCh38, 1-based): chr16:68,684,781, G>T. VCF-style: chr16-68684781-G-T. GRCh37 (hg19) VCF-style: chr16-68718684-G-T.
Other names: c.1381G>T, p.Val461Phe (NM_001317195.3); c.1216G>T, p.Val406Phe (NM_001317196.2); short protein forms V461F, V406F.
Identifiers: ClinVar variation 967280 (VCV000967280.10), dbSNP rs1028200553, ClinGen allele CA283280430.
Genomic context (GRCh38, chr16:68,684,781, plus strand): 5'-GTCCCACCCTCCAAAGTCGTTGAGGTCCAGGAGGGCATCCCCACTGGGGAGCCTGTGTGT[G>T]TCTACACTGCAGAAGACCCTGACAAGGAGAATCAAAAGATCAGGTACTCAGGAGCTGGGC-3'
Protein context (NP_001784.2, residues 451-471): EGIPTGEPVC[Val461Phe]YTAEDPDKEN